The following is an entry in ClinVar:

ClinVar aggregate classification (germline): Conflicting classifications of pathogenicity. Review status: criteria provided, conflicting classifications (1 of 4 stars). 6 submissions from 6 submitters: Uncertain significance (5); Likely benign (1). Last evaluated 2026-01-07.

Conditions:
MET-related disorder. Also called: MET-related condition.
Renal cell carcinoma. Identifiers: Orphanet 217071, MedGen C0007134, MeSH D002292, MONDO:0005086, HP:0005584.
Hereditary cancer-predisposing syndrome. Also called: Tumor predisposition; Neoplastic Syndromes, Hereditary; Hereditary neoplastic syndrome; Hereditary Cancer Syndrome. Identifiers: Orphanet 140162, MedGen C0027672, MeSH D009386, MONDO:0015356.
Autosomal recessive nonsyndromic hearing loss 97. Also called: Deafness, autosomal recessive 97. Identifiers: Orphanet 90636, MedGen C4084709, MONDO:0014739, OMIM 616705.

Allele frequency attached by ClinVar (database versions not stated): gnomAD exomes 0.00003; gnomAD 0.00007 and 0.00008; TOPMed 0.00010.
gnomAD v4.1: 165 of 1,613,862 alleles (0.01%); highest among the groups gnomAD compares: Non-Finnish European, 0.013%; no homozygotes.

Submissions (6):

Labcorp Genetics (formerly Invitae), Labcorp
Classification: Uncertain significance for Renal cell carcinoma. Last evaluated: 2026-01-07. Review status: criteria provided, single submitter. Criteria: Invitae Variant Classification Sherloc (09022015). Collection method: clinical testing. Allele origin: germline.
Comment: This sequence change replaces valine, which is neutral and non-polar, with alanine, which is neutral and non-polar, at codon 866 of the MET protein (p.Val866Ala). This variant is present in population databases (rs587782205, gnomAD 0.005%). This missense change has been observed in individual(s) with renal cell carcinoma (PMID: 32830346). ClinVar contains an entry for this variant (Variation ID: 142060). An algorithm developed to predict the effect of missense changes on protein structure and function (PolyPhen-2) suggests that this variant is likely to be disruptive. In summary, the available evidence is currently insufficient to determine the role of this variant in disease. Therefore, it has been classified as a Variant of Uncertain Significance.

PreventionGenetics, part of Exact Sciences
Classification: Uncertain significance for MET-related condition. Last evaluated: 2025-10-27. Review status: criteria provided, single submitter. Criteria: ACMG Guidelines, 2015. Collection method: clinical testing. Allele origin: germline.
Comment: The MET c.2597T>C variant is predicted to result in the amino acid substitution p.Val866Ala. This variant has been reported in an individual with prostate cancer (Supplemental Data 1, Mateo et al. 2020. PubMed ID: 31874108) and an individual with renal cell cancer (Smith et al. 2020. PubMed ID: 32830346). This variant is reported in 0.0055% of alleles in individuals of European (Non-Finnish) descent in gnomAD and has conflicting interpretations in ClinVar, ranging from uncertain to likely benign (Variation ID: 142060). At this time, the clinical significance of this variant is uncertain due to the absence of conclusive functional and genetic evidence.

Quest Diagnostics Nichols Institute San Juan Capistrano
Classification: Uncertain significance. Last evaluated: 2025-02-05. Review status: criteria provided, single submitter. Criteria: Quest Diagnostics criteria. Collection method: clinical testing. Allele origin: unknown.

Baylor Genetics
Classification: Uncertain significance for Autosomal recessive nonsyndromic hearing loss 97. Last evaluated: 2024-03-09. Review status: criteria provided, single submitter. Criteria: ACMG Guidelines, 2015. Collection method: clinical testing. Allele origin: unknown.

Ambry Genetics
Classification: Likely benign for Hereditary cancer-predisposing syndrome. Last evaluated: 2022-11-30. Review status: criteria provided, single submitter. Criteria: Ambry Variant Classification Scheme 2023. Collection method: clinical testing. Allele origin: germline.

GeneDx
Classification: Uncertain significance. Last evaluated: 2021-11-18. Review status: criteria provided, single submitter. Criteria: GeneDx Variant Classification Process June 2021. Collection method: clinical testing. Allele origin: germline. Affected: yes.
Comment: In silico analysis, which includes protein predictors and evolutionary conservation, supports that this variant does not alter protein structure/function; Has not been previously published as pathogenic or benign to our knowledge; This variant is associated with the following publications: (PMID: 25107291)

Literature cited by the submitters: PubMed 32830346 (cited by Labcorp Genetics (formerly Invitae), Labcorp).

NM_000245.4(MET):c.2543T>C (p.Val848Ala)

Gene: MET (MET proto-oncogene, receptor tyrosine kinase; plus strand). Cytogenetic location: 7q31.2.
Variant type: single nucleotide variant.
Coding change: c.2543T>C on transcript NM_000245.4 (MANE Select); coding-DNA position 2543, T replaced by C.
Protein change: p.Val848Ala; replaces valine 848 with alanine.
Molecular consequence: missense variant.
Genome position (GRCh38, 1-based): chr7:116,763,228, T>C. VCF-style: chr7-116763228-T-C. GRCh37 (hg19) VCF-style: chr7-116403282-T-C.
Other names: c.2597T>C, p.Val866Ala (NM_001127500.3); c.2543T>C, p.Val848Ala (NM_001324401.3); c.1253T>C, p.Val418Ala (NM_001324402.2); c.2597T>C (NM_001127500.2); short protein forms V866A, V848A, V418A.
Identifiers: ClinVar variation 142060 (VCV000142060.24), dbSNP rs587782205, ClinGen allele CA167284.